The following is an entry in ClinVar:

NM_000548.5(TSC2):c.4497C>T (p.Phe1499=)

Gene: TSC2 (TSC complex subunit 2; plus strand). Cytogenetic location: 16p13.3.
Variant type: single nucleotide variant.
Coding change: c.4497C>T on transcript NM_000548.5 (MANE Select); coding-DNA position 4497, C replaced by T.
Protein change: p.Phe1499=; no amino-acid change (phenylalanine 1499 retained).
Molecular consequence: synonymous variant.
Genome position (GRCh38, 1-based): chr16:2,084,954, C>T. VCF-style: chr16-2084954-C-T. GRCh37 (hg19) VCF-style: chr16-2134955-C-T.
Other names: c.4296C>T, p.Phe1432= (NM_001077183.3); c.4428C>T, p.Phe1476= (NM_001114382.3); c.4188C>T, p.Phe1396= (NM_001318827.2); c.4152C>T, p.Phe1384= (NM_001318829.2); c.3765C>T, p.Phe1255= (NM_001318831.2); c.4329C>T, p.Phe1443= (NM_001318832.2); c.4299C>T, p.Phe1433= (NM_001363528.2); c.4365C>T, p.Phe1455= (NM_001370404.1); and 2 more.
Identifiers: ClinVar variation 413677 (VCV000413677.24), dbSNP rs372974007, ClinGen allele CA051441.
Genomic context (GRCh38, chr16:2,084,954, plus strand): 5'-CTGTGGCTGCCCTGGCCAGGCCCTCACCTGGGTGCCCACCATCCCCTCCCTGTGCAGTTT[C>T]GTGTTCCTGCAGCTCTACCATTCCCCCTTCTTTGGCGACGAGTCAAACAAGCCAATCCTG-3'
Protein context (NP_000539.2, residues 1489-1509): AEKVPGINPS[Phe1499=]VFLQLYHSPF

ClinVar aggregate classification (germline): Benign/Likely benign. Review status: criteria provided, multiple submitters, no conflicts (2 of 4 stars). 9 submissions from 9 submitters: Benign (5); Likely benign (4). Last evaluated 2026-05-13.

Conditions:
TSC2-related disorder. Also called: TSC2-Related Disorders; TSC2-related condition.
Hereditary cancer-predisposing syndrome. Also called: Tumor predisposition; Hereditary neoplastic syndrome; Hereditary Cancer Syndrome; Neoplastic Syndromes, Hereditary. Identifiers: Orphanet 140162, MedGen C0027672, MeSH D009386, MONDO:0015356.
Tuberous sclerosis syndrome (TSC). Also called: Tuberous Sclerosis Complex; Tuberous sclerosis. Identifiers: Orphanet 805, MedGen C0041341, MONDO:0001734.
Tuberous sclerosis 2 (TSC2). Identifiers: Orphanet 805, MedGen C1860707, MONDO:0013199, OMIM 613254.

Allele frequency attached by ClinVar (database versions not stated): gnomAD 0.00001 and 0.00002; ExAC 0.00003; gnomAD exomes 0.00003; TOPMed 0.00003; ESP Exome Variant Server 0.00008; 1000 Genomes Project 30x 0.00016; 1000 Genomes Project 0.00020.
gnomAD v4.1: 20 of 1,613,312 alleles (0.0012%); highest among the groups gnomAD compares: East Asian, 0.016%; no homozygotes.

Submissions (9):

PreventionGenetics, part of Exact Sciences
Classification: Likely benign for TSC2-related condition. Last evaluated: 2026-05-13. Review status: criteria provided, single submitter. Criteria: ACMG Guidelines, 2015. Collection method: clinical testing. Allele origin: germline.
Comment: This variant is classified as likely benign based on ACMG/AMP sequence variant interpretation guidelines (Richards et al. 2015 PMID: 25741868, with internal and published modifications).

CeGaT Center for Human Genetics Tuebingen
Classification: Likely benign. Last evaluated: 2026-05-01. Review status: criteria provided, single submitter. Criteria: CeGaT Center For Human Genetics Tuebingen Variant Classification Criteria Version 2. Collection method: clinical testing. Allele origin: germline. Affected: yes. Observed: 1 variant allele.
Comment: TSC2: BS2

Labcorp Genetics (formerly Invitae), Labcorp
Classification: Benign for Tuberous sclerosis 2. Last evaluated: 2026-01-21. Review status: criteria provided, single submitter. Criteria: Invitae Variant Classification Sherloc (09022015). Collection method: clinical testing. Allele origin: germline.

Myriad Genetics, Inc.
Classification: Benign for Tuberous sclerosis 2. Last evaluated: 2025-06-03. Review status: criteria provided, single submitter. Criteria: Myriad Autosomal Dominant, Autosomal Recessive and X-Linked Classification Criteria (2023). Collection method: clinical testing. Allele origin: unknown.
Comment: This variant is considered benign. This variant is a silent/synonymous amino acid change and it is not expected to impact splicing.

Color Diagnostics, LLC DBA Color Health
Classification: Benign for Tuberous sclerosis syndrome. Last evaluated: 2022-10-09. Review status: criteria provided, single submitter. Criteria: ACMG Guidelines, 2015. Collection method: clinical testing. Allele origin: germline.

Genome-Nilou Lab
Classification: Benign for Tuberous sclerosis 2. Last evaluated: 2021-11-07. Review status: criteria provided, single submitter. Criteria: ACMG Guidelines, 2015. Collection method: clinical testing. Allele origin: germline. Affected: no.

Sema4
Classification: Benign for Hereditary cancer-predisposing syndrome. Last evaluated: 2021-05-27. Review status: criteria provided, single submitter. Criteria: Sema4 Curation Guidelines. Collection method: curation. Allele origin: germline.

GeneDx
Classification: Likely benign. Last evaluated: 2021-04-19. Review status: criteria provided, single submitter. Criteria: GeneDx Variant Classification Process June 2021. Collection method: clinical testing. Allele origin: germline. Affected: yes.

Ambry Genetics
Classification: Likely benign for Hereditary cancer-predisposing syndrome. Last evaluated: 2020-03-27. Review status: criteria provided, single submitter. Criteria: Ambry Variant Classification Scheme 2023. Collection method: clinical testing. Allele origin: germline.